The following is an entry in ClinVar:

ClinVar aggregate classification (germline): Uncertain significance. Review status: criteria provided, multiple submitters, no conflicts (2 of 4 stars). 4 submissions from 4 submitters: Uncertain significance (4). Last evaluated 2024-08-13.

Allele frequency attached by ClinVar (database versions not stated): gnomAD 0.00001; gnomAD exomes 0.00001 and 0.00006; TOPMed 0.00004; ExAC 0.00007; 1000 Genomes Project 0.00020; 1000 Genomes Project 30x 0.00062.
gnomAD v4.1: 36 of 1,614,066 alleles (0.0022%); highest among the groups gnomAD compares: East Asian, 0.036%; 1 homozygote.

Submissions (4):

Revvity Omics, Revvity
Classification: Uncertain significance. Last evaluated: 2024-08-13. Review status: criteria provided, single submitter. Criteria: ACMG Guidelines, 2015. Collection method: clinical testing. Allele origin: germline.

ARUP Laboratories, Molecular Genetics and Genomics, ARUP Laboratories
Classification: Uncertain significance. Last evaluated: 2024-03-04. Review status: criteria provided, single submitter. Criteria: ARUP Molecular Germline Variant Investigation Process 2024. Collection method: clinical testing. Allele origin: germline.

Labcorp Genetics (formerly Invitae), Labcorp
Classification: Uncertain significance. Last evaluated: 2022-07-08. Review status: criteria provided, single submitter. Criteria: Invitae Variant Classification Sherloc (09022015). Collection method: clinical testing. Allele origin: germline.
Comment: This variant has not been reported in the literature in individuals affected with PKLR-related conditions. In summary, the available evidence is currently insufficient to determine the role of this variant in disease. Therefore, it has been classified as a Variant of Uncertain Significance. Algorithms developed to predict the effect of missense changes on protein structure and function (SIFT, PolyPhen-2, Align-GVGD) all suggest that this variant is likely to be tolerated. ClinVar contains an entry for this variant (Variation ID: 1163646). This variant is present in population databases (rs200979497, gnomAD 0.07%). This sequence change replaces valine, which is neutral and non-polar, with alanine, which is neutral and non-polar, at codon 213 of the PKLR protein (p.Val213Ala).

Mayo Clinic Laboratories, Mayo Clinic
Classification: Uncertain significance. Last evaluated: 2021-11-05. Review status: criteria provided, single submitter. Criteria: ACMG Guidelines, 2015. Collection method: clinical testing. Allele origin: germline.

NM_000298.6(PKLR):c.638T>C (p.Val213Ala)

Gene: PKLR (pyruvate kinase L/R; minus strand). Cytogenetic location: 1q22.
Variant type: single nucleotide variant.
Coding change: c.638T>C on transcript NM_000298.6 (MANE Select); coding-DNA position 638, T replaced by C.
Protein change: p.Val213Ala; replaces valine 213 with alanine.
Molecular consequence: missense variant.
Genome position (GRCh38, 1-based): chr1:155,295,172, A>G on the plus strand (T>C on the coding strand, the complement: PKLR is on the minus strand). VCF-style: chr1-155295172-A-G. GRCh37 (hg19) VCF-style: chr1-155264963-A-G.
Other names: c.545T>C, p.Val182Ala (NM_181871.4); short protein forms V182A, V213A.
Identifiers: ClinVar variation 1163646 (VCV001163646.16), dbSNP rs200979497, ClinGen allele CA1144265.
Genomic context (GRCh38, chr1:155,295,172, plus strand): 5'-GCACCGATTTTCTGGACCACTAGGGAGATGAGCCCGTCGTCAATGTAGATGCGGCCCCCC[A>G]CCGGCACGACCCGGACAATATTGGGGTAGTCCACCCACACGGTGTTCGCGTTCCCCCGCG-3'
Protein context (NP_000289.1, residues 203-223): DYPNIVRVVP[Val213Ala]GGRIYIDDGL